The following is an entry in ClinVar:

ClinVar aggregate classification (germline): Uncertain significance (1 of 4 stars; one submission).

Conditions:
KBG syndrome (KBGS). Also called: ANKRD11-Related KBG Syndrome. Identifiers: Orphanet 2332, MedGen C0220687, MONDO:0007846, OMIM 148050.

gnomAD v4.1: 30 of 1,613,446 alleles (0.0019%); highest among the groups gnomAD compares: Middle Eastern, 0.016%; no homozygotes.

Submission:

Labcorp Genetics (formerly Invitae), Labcorp
Classification: Uncertain significance for KBG syndrome. Last evaluated: 2025-04-28. Review status: criteria provided, single submitter. Criteria: Invitae Variant Classification Sherloc (09022015). Collection method: clinical testing. Allele origin: germline.
Comment: This sequence change replaces lysine, which is basic and polar, with arginine, which is basic and polar, at codon 928 of the ANKRD11 protein (p.Lys928Arg). This variant is present in population databases (rs753429290, gnomAD 0.003%). This variant has not been reported in the literature in individuals affected with ANKRD11-related conditions. Invitae Evidence Modeling of protein sequence and biophysical properties (such as structural, functional, and spatial information, amino acid conservation, physicochemical variation, residue mobility, and thermodynamic stability) indicates that this missense variant is not expected to disrupt ANKRD11 protein function with a negative predictive value of 95%. In summary, the available evidence is currently insufficient to determine the role of this variant in disease. Therefore, it has been classified as a Variant of Uncertain Significance.

NM_013275.6(ANKRD11):c.2783A>G (p.Lys928Arg)

Gene: ANKRD11 (ankyrin repeat domain 11; minus strand). Cytogenetic location: 16q24.3.
Variant type: single nucleotide variant.
Coding change: c.2783A>G on transcript NM_013275.6 (MANE Select); coding-DNA position 2783, A replaced by G.
Protein change: p.Lys928Arg; replaces lysine 928 with arginine.
Molecular consequence: missense variant.
Genome position (GRCh38, 1-based): chr16:89,283,759, T>C on the plus strand (A>G on the coding strand, the complement: ANKRD11 is on the minus strand). VCF-style: chr16-89283759-T-C. GRCh37 (hg19) VCF-style: chr16-89350167-T-C.
Other names: c.2783A>G, p.Lys928Arg (NM_001256182.2, NM_001256183.2); short protein forms K928R.
Identifiers: ClinVar variation 4737789 (VCV004737789.1).